The following is an entry in ClinVar:

NM_000038.6(APC):c.5923A>T (p.Ile1975Phe)

Gene: APC (APC regulator of Wnt signaling pathway; plus strand). Cytogenetic location: 5q22.2.
Variant type: single nucleotide variant.
Coding change: c.5923A>T on transcript NM_000038.6 (MANE Select); coding-DNA position 5923, A replaced by T.
Protein change: p.Ile1975Phe; replaces isoleucine 1975 with phenylalanine.
Molecular consequence: missense variant.
Genome position (GRCh38, 1-based): chr5:112,841,517, A>T. VCF-style: chr5-112841517-A-T. GRCh37 (hg19) VCF-style: chr5-112177214-A-T.
Other names: c.5923A>T, p.Ile1975Phe (NM_001127510.3, NM_001354895.2); c.5869A>T, p.Ile1957Phe (NM_001127511.3); c.5977A>T, p.Ile1993Phe (NM_001354896.2); c.5953A>T, p.Ile1985Phe (NM_001354897.2); c.5848A>T, p.Ile1950Phe (NM_001354898.2); c.5839A>T, p.Ile1947Phe (NM_001354899.2); c.5800A>T, p.Ile1934Phe (NM_001354900.2); c.5746A>T, p.Ile1916Phe (NM_001354901.2); and 5 more; short protein forms I1815F, I1916F, I1934F, I1947F, I1692F, I1849F, I1874F, I1884F.
Identifiers: ClinVar variation 826060 (VCV000826060.16), dbSNP rs765104249, ClinGen allele CA16034289.

ClinVar aggregate classification (germline): Uncertain significance. Review status: criteria provided, multiple submitters, no conflicts (2 of 4 stars). 3 submissions from 3 submitters: Uncertain significance (3). Last evaluated 2026-01-30.

Conditions:
Classic or attenuated familial adenomatous polyposis. Identifiers: MedGen CN372698, MONDO:0021057.
Familial adenomatous polyposis 1 (FAP1). Also called: POLYPOSIS, ADENOMATOUS INTESTINAL; FAMILIAL ADENOMATOUS POLYPOSIS 1, ATTENUATED. Identifiers: MedGen C2713442, MONDO:0021056, OMIM 175100. Disease mechanism: loss of function.
Hereditary cancer-predisposing syndrome. Also called: Neoplastic Syndromes, Hereditary; Tumor predisposition; Hereditary neoplastic syndrome; Hereditary Cancer Syndrome. Identifiers: Orphanet 140162, MedGen C0027672, MeSH D009386, MONDO:0015356.

Submissions (3):

Labcorp Genetics (formerly Invitae), Labcorp
Classification: Uncertain significance for Familial adenomatous polyposis 1. Last evaluated: 2026-01-30. Review status: criteria provided, single submitter. Criteria: Invitae Variant Classification Sherloc (09022015). Collection method: clinical testing. Allele origin: germline.
Comment: This sequence change replaces isoleucine, which is neutral and non-polar, with phenylalanine, which is neutral and non-polar, at codon 1975 of the APC protein (p.Ile1975Phe). This variant is not present in population databases (gnomAD no frequency). This variant has not been reported in the literature in individuals affected with APC-related conditions. ClinVar contains an entry for this variant (Variation ID: 826060). Invitae Evidence Modeling of protein sequence and biophysical properties (such as structural, functional, and spatial information, amino acid conservation, physicochemical variation, residue mobility, and thermodynamic stability) indicates that this missense variant is not expected to disrupt APC protein function with a negative predictive value of 95%. In summary, the available evidence is currently insufficient to determine the role of this variant in disease. Therefore, it has been classified as a Variant of Uncertain Significance.

All of Us Research Program, National Institutes of Health
Classification: Uncertain significance for Classic or attenuated familial adenomatous polyposis. Last evaluated: 2023-10-06. Review status: criteria provided, single submitter. Criteria: ACMG Guidelines, 2015. Collection method: clinical testing. Allele origin: germline. Inheritance: Autosomal dominant inheritance. Observed: 1 variant allele, 1 heterozygote.
Comment: This missense variant replaces isoleucine with phenylalanine at codon 1975 of the APC protein. Computational prediction suggests that this variant may not impact protein structure and function (internally defined REVEL score threshold <= 0.5, PMID: 27666373). To our knowledge, functional studies have not been reported for this variant. This variant has not been reported in individuals affected with APC-related disorders in the literature. This variant has not been identified in the general population by the Genome Aggregation Database (gnomAD). The available evidence is insufficient to determine the role of this variant in disease conclusively. Therefore, this variant is classified as a Variant of Uncertain Significance.

This study involves interpretation of variants in research participants for the purpose of population health screening. Participant phenotype was not available at the time of variant classification. Additional details can be found in publication PMID: 35346344, PMCID: PMC8962531

Ambry Genetics
Classification: Uncertain significance for Hereditary cancer-predisposing syndrome. Last evaluated: 2023-09-26. Review status: criteria provided, single submitter. Criteria: Ambry Variant Classification Scheme 2023. Collection method: clinical testing. Allele origin: germline.
Comment: The p.I1975F variant (also known as c.5923A>T), located in coding exon 15 of the APC gene, results from an A to T substitution at nucleotide position 5923. The isoleucine at codon 1975 is replaced by phenylalanine, an amino acid with highly similar properties. In one study, this alteration was not detected in a cohort of 691 North American patients with colorectal adenomas, but was reported in 1/969 North American healthy controls (Azzopardi D et al. Cancer Res., 2008 Jan;68:358-63). This amino acid position is well conserved in available vertebrate species. In addition, in silico predictors for this gene do not accurately predict pathogenicity. Since supporting evidence is limited at this time, the clinical significance of this alteration remains unclear.

Literature cited by the submitters: PubMed 18199528 (cited by Ambry Genetics).